The following is an entry in ClinVar:

ClinVar aggregate classification (germline): Conflicting classifications of pathogenicity. Review status: criteria provided, conflicting classifications (1 of 4 stars). 3 submissions from 3 submitters: Likely pathogenic (1); Uncertain significance (2). Last evaluated 2025-05-27.

Conditions:
Inborn genetic diseases. Identifiers: MedGen C0950123, MeSH D030342.
Charcot-Marie-Tooth disease type 2. Also called: Charcot-Marie-Tooth type 2. Identifiers: Orphanet 64746, MedGen C0270914, MONDO:0018993.

Submissions (3):

Labcorp Genetics (formerly Invitae), Labcorp
Classification: Likely pathogenic for Charcot-Marie-Tooth disease type 2. Last evaluated: 2025-05-27. Review status: criteria provided, single submitter. Criteria: Invitae Variant Classification Sherloc (09022015). Collection method: clinical testing. Allele origin: germline.
Comment: This sequence change replaces tyrosine, which is neutral and polar, with aspartic acid, which is acidic and polar, at codon 49 of the MFN2 protein (p.Tyr49Asp). This variant is not present in population databases (gnomAD no frequency). This missense change has been observed in individuals with clinical features of autosomal dominant Charcot-Marie-Tooth disease (internal data). ClinVar contains an entry for this variant (Variation ID: 1486294). Invitae Evidence Modeling of protein sequence and biophysical properties (such as structural, functional, and spatial information, amino acid conservation, physicochemical variation, residue mobility, and thermodynamic stability) indicates that this missense variant is expected to disrupt MFN2 protein function with a positive predictive value of 95%. In summary, the currently available evidence indicates that the variant is pathogenic, but additional data are needed to prove that conclusively. Therefore, this variant has been classified as Likely Pathogenic.

Ambry Genetics
Classification: Uncertain significance for Inborn genetic diseases. Last evaluated: 2025-01-06. Review status: criteria provided, single submitter. Criteria: Ambry Variant Classification Scheme 2023. Collection method: clinical testing. Allele origin: germline.
Comment: The c.145T>G (p.Y49D) alteration is located in exon 3 (coding exon 1) of the MFN2 gene. This alteration results from a T to G substitution at nucleotide position 145, causing the tyrosine (Y) at amino acid position 49 to be replaced by an aspartic acid (D). This variant was not reported in population-based cohorts in the Genome Aggregation Database (gnomAD). This variant was reported in individual(s) in a neuropathy cohort (DiVincenzo, 2014; Roggenbuck, 2024). This amino acid position is highly conserved in available vertebrate species. This alteration is predicted to be deleterious by in silico analysis. Based on insufficient or conflicting evidence, the clinical significance of this alteration remains unclear.

GeneDx
Classification: Uncertain significance. Last evaluated: 2024-08-07. Review status: criteria provided, single submitter. Criteria: GeneDx Variant Classification Process June 2021. Collection method: clinical testing. Allele origin: germline. Affected: yes.
Comment: Not observed at significant frequency in large population cohorts (gnomAD); In silico analysis supports that this missense variant has a deleterious effect on protein structure/function; Has not been previously published as pathogenic or benign to our knowledge

Literature cited by the submitters: PubMed 25614874 (cited by Ambry Genetics); PubMed 39140136 (cited by Ambry Genetics).

NM_014874.4(MFN2):c.145T>G (p.Tyr49Asp)

Gene: MFN2 (mitofusin 2; plus strand). Cytogenetic location: 1p36.22.
Variant type: single nucleotide variant.
Coding change: c.145T>G on transcript NM_014874.4 (MANE Select); coding-DNA position 145, T replaced by G.
Protein change: p.Tyr49Asp; replaces tyrosine 49 with aspartic acid.
Molecular consequence: missense variant.
Genome position (GRCh38, 1-based): chr1:11,989,313, T>G. VCF-style: chr1-11989313-T-G. GRCh37 (hg19) VCF-style: chr1-12049370-T-G.
Other names: c.145T>G, p.Tyr49Asp (NM_001127660.2); c.145T>G (NM_014874.3); short protein forms Y49D.
Identifiers: ClinVar variation 1486294 (VCV001486294.9), dbSNP rs2100802936, ClinGen allele CA338459932.